The following is an entry in ClinVar:

NM_001136193.2(FASTKD2):c.1030A>G (p.Asn344Asp)

Gene: FASTKD2 (FAST kinase domains 2; plus strand). Cytogenetic location: 2q33.3.
Variant type: single nucleotide variant.
Coding change: c.1030A>G on transcript NM_001136193.2 (MANE Select); coding-DNA position 1030, A replaced by G.
Protein change: p.Asn344Asp; replaces asparagine 344 with aspartic acid.
Molecular consequence: missense variant.
Genome position (GRCh38, 1-based): chr2:206,771,933, A>G. VCF-style: chr2-206771933-A-G. GRCh37 (hg19) VCF-style: chr2-207636657-A-G.
Other names: c.1030A>G (NM_014929.3); c.1030A>G, p.Asn344Asp (NM_001136194.2, NM_014929.4); short protein forms N344D.
Identifiers: ClinVar variation 1926575 (VCV001926575.7), dbSNP rs1217161638, ClinGen allele CA350077498.

ClinVar aggregate classification (germline): Uncertain significance. Review status: criteria provided, multiple submitters, no conflicts (2 of 4 stars). 3 submissions from 3 submitters: Uncertain significance (3). Last evaluated 2025-09-01.

Conditions:
Combined oxidative phosphorylation deficiency 44. Also called: FASTKD2-Related Combined Oxidative Phosphorylation Deficiency. Identifiers: MedGen C5394293, MONDO:0030020, OMIM 618855.
Inborn genetic diseases. Identifiers: MedGen C0950123, MeSH D030342.

gnomAD v4.1: 5 of 1,610,762 alleles (0.00031%); highest among the groups gnomAD compares: Non-Finnish European, 0.00042%; no homozygotes.

Submissions (3):

Ambry Genetics
Classification: Uncertain significance for Inborn genetic diseases. Last evaluated: 2025-09-01. Review status: criteria provided, single submitter. Criteria: Ambry Variant Classification Scheme 2023. Collection method: clinical testing. Allele origin: germline.

Labcorp Genetics (formerly Invitae), Labcorp
Classification: Uncertain significance. Last evaluated: 2024-12-09. Review status: criteria provided, single submitter. Criteria: Invitae Variant Classification Sherloc (09022015). Collection method: clinical testing. Allele origin: germline.
Comment: This sequence change replaces asparagine, which is neutral and polar, with aspartic acid, which is acidic and polar, at codon 344 of the FASTKD2 protein (p.Asn344Asp). This variant is present in population databases (no rsID available, gnomAD 0.0009%). This variant has not been reported in the literature in individuals affected with FASTKD2-related conditions. ClinVar contains an entry for this variant (Variation ID: 1926575). Invitae Evidence Modeling of protein sequence and biophysical properties (such as structural, functional, and spatial information, amino acid conservation, physicochemical variation, residue mobility, and thermodynamic stability) indicates that this missense variant is expected to disrupt FASTKD2 protein function with a positive predictive value of 80%. In summary, the available evidence is currently insufficient to determine the role of this variant in disease. Therefore, it has been classified as a Variant of Uncertain Significance.

Fulgent Genetics
Classification: Uncertain significance for Combined oxidative phosphorylation deficiency 44. Last evaluated: 2024-04-12. Review status: criteria provided, single submitter. Criteria: ACMG Guidelines, 2015. Collection method: clinical testing. Allele origin: germline.